The following is an entry in ClinVar:

ClinVar aggregate classification (germline): Benign/Likely benign. Review status: criteria provided, multiple submitters, no conflicts (2 of 4 stars). 2 submissions from 2 submitters: Benign (1); Likely benign (1). Last evaluated 2025-07-23.

Conditions:
Familial cancer of breast. Also called: Hereditary breast cancer; BREAST CANCER, FAMILIAL; hereditary breast carcinoma. Identifiers: Orphanet 227535, MedGen C0346153, MONDO:0016419, OMIM 114480. Disease mechanism: loss of function.

gnomAD v4.1: 1 of 1,614,158 alleles (0.000062%); highest among the groups gnomAD compares: Non-Finnish European, 0.000085%; no homozygotes.

Submissions (2):

Labcorp Genetics (formerly Invitae), Labcorp
Classification: Likely benign for Familial cancer of breast. Last evaluated: 2025-07-23. Review status: criteria provided, single submitter. Criteria: Invitae Variant Classification Sherloc (09022015). Collection method: clinical testing. Allele origin: germline.

Myriad Genetics, Inc.
Classification: Benign for Familial cancer of breast. Last evaluated: 2024-07-29. Review status: criteria provided, single submitter. Criteria: Myriad Autosomal Dominant, Autosomal Recessive and X-Linked Classification Criteria (2023). Collection method: clinical testing. Allele origin: unknown.
Comment: This variant is considered benign. This variant is a silent/synonymous amino acid change and it is not expected to impact splicing.

NM_000465.4(BARD1):c.2070C>T (p.Asn690=)

Gene: BARD1 (BRCA1 associated RING domain 1; minus strand). Cytogenetic location: 2q35.
Variant type: single nucleotide variant.
Coding change: c.2070C>T on transcript NM_000465.4 (MANE Select); coding-DNA position 2070, C replaced by T.
Protein change: p.Asn690=; no amino-acid change (asparagine 690 retained).
Molecular consequence: synonymous variant. On other transcripts: non-coding transcript variant (3).
Genome position (GRCh38, 1-based): chr2:214,728,940, G>A on the plus strand (C>T on the coding strand, the complement: BARD1 is on the minus strand). VCF-style: chr2-214728940-G-A. GRCh37 (hg19) VCF-style: chr2-215593664-G-A.
Other names: c.2013C>T, p.Asn671= (NM_001282543.2); c.717C>T, p.Asn239= (NM_001282545.2); c.660C>T, p.Asn220= (NM_001282548.2); c.531C>T, p.Asn177= (NM_001282549.2).
Identifiers: ClinVar variation 761969 (VCV000761969.12), dbSNP rs1574703626, ClinGen allele CA431393934.
Genomic context (GRCh38, chr2:214,728,940, plus strand): 5'-GTCTGGCTTGGGCTTTCTACTGAGGATCTGGCCCCCACCTGCAGTGACGAGCTTAATAAG[G>A]TTGTCCTTTGGATGGTGTTTGAAGGTTCCCCACAAATAGAAGTAGCATCCATCAAACAGC-3'
Protein context (NP_000456.2, residues 680-700): WGTFKHHPKD[Asn690=]LIKLVTAGGG